The following is an entry in ClinVar:

NM_006516.4(SLC2A1):c.1450del (p.His484fs)

Gene: SLC2A1 (solute carrier family 2 member 1; minus strand). Cytogenetic location: 1p34.2.
Variant type: Deletion.
Coding change: c.1450del on transcript NM_006516.4 (MANE Select); coding-DNA position 1450, one base deleted (C; older notation c.1450delC).
Protein change: p.His484fs; shifts the reading frame from histidine 484.
Molecular consequence: frameshift variant.
Genome position (GRCh38, 1-based): chr1:42,927,070, G deleted on the plus strand (C on the coding strand, the reverse complement: SLC2A1 is on the minus strand); the first of 2 consecutive G bases (chr1:42,927,070-42,927,071); deleting either gives the same sequence. VCF-style (leftmost placement, unchanged base first): chr1-42927069-TG-T. GRCh37 (hg19) VCF-style: chr1-43392740-TG-T.
Other names: short protein forms H484fs.
Identifiers: ClinVar variation 3365348 (VCV003365348.2).

ClinVar aggregate classification (germline): Uncertain significance (1 of 4 stars; one submission).

Submission:

GeneDx
Classification: Uncertain significance. Last evaluated: 2026-09-25. Review status: criteria provided, single submitter. Criteria: GeneDx Variant Classification Process June 2021. Collection method: clinical testing. Allele origin: germline.
Comment: Frameshift variant predicted to result in abnormal protein length as the last 9 amino acids are replaced with 23 different amino acids; Has not been previously published as pathogenic or benign to our knowledge; Not observed at significant frequency in large population cohorts (gnomAD)